The following is an entry in ClinVar:

ClinVar aggregate classification (germline): Uncertain significance (1 of 4 stars; one submission).

Allele frequency attached by ClinVar (database versions not stated): gnomAD exomes below 0.00001.
gnomAD v4.1: 2 of 1,614,122 alleles (0.00012%); highest among the groups gnomAD compares: Non-Finnish European, 0.000085%; no homozygotes.

Submission:

GeneDx
Classification: Uncertain significance. Last evaluated: 2022-05-27. Review status: criteria provided, single submitter. Criteria: GeneDx Variant Classification Process June 2021. Collection method: clinical testing. Allele origin: germline. Affected: yes.
Comment: Not observed at significant frequency in large population cohorts (gnomAD); In silico analysis supports that this missense variant has a deleterious effect on protein structure/function; Has not been previously published as pathogenic or benign to our knowledge; This variant is associated with the following publications: (PMID: 34014491)

NM_152296.5(ATP1A3):c.2155G>A (p.Asp719Asn)

Gene: ATP1A3 (ATPase Na+/K+ transporting subunit alpha 3; minus strand). Cytogenetic location: 19q13.2.
Variant type: single nucleotide variant.
Coding change: c.2155G>A on transcript NM_152296.5 (MANE Select); coding-DNA position 2155, G replaced by A.
Protein change: p.Asp719Asn; replaces aspartic acid 719 with asparagine.
Molecular consequence: missense variant.
Genome position (GRCh38, 1-based): chr19:41,975,737, C>T on the plus strand (G>A on the coding strand, the complement: ATP1A3 is on the minus strand). VCF-style: chr19-41975737-C-T. GRCh37 (hg19) VCF-style: chr19-42479889-C-T.
Other names: c.2188G>A, p.Asp730Asn (NM_001256213.2); c.2194G>A, p.Asp732Asn (NM_001256214.2); short protein forms D719N, D730N, D732N.
Identifiers: ClinVar variation 1800938 (VCV001800938.1), dbSNP rs2145959505, ClinGen allele CA406042057.